The following is an entry in ClinVar:

NM_001037.5(SCN1B):c.405C>G (p.Asn135Lys)

Gene: SCN1B (sodium voltage-gated channel beta subunit 1; plus strand). Cytogenetic location: 19q13.11.
Variant type: single nucleotide variant.
Coding change: c.405C>G on transcript NM_001037.5 (MANE Select); coding-DNA position 405, C replaced by G.
Protein change: p.Asn135Lys; replaces asparagine 135 with lysine.
Molecular consequence: missense variant.
Genome position (GRCh38, 1-based): chr19:35,033,696, C>G. VCF-style: chr19-35033696-C-G. GRCh37 (hg19) VCF-style: chr19-35524600-C-G.
Other names: c.306C>G, p.Asn102Lys (NM_001321605.2); c.405C>G, p.Asn135Lys (NM_199037.5); short protein forms N135K, N102K.
Identifiers: ClinVar variation 393242 (VCV000393242.30), dbSNP rs372630267, ClinGen allele CA9372011.
Genomic context (GRCh38, chr19:35,033,696, plus strand): 5'-CTCGGGCGACTACGAGTGCCACGTCTACCGCCTGCTCTTCTTCGAAAACTACGAGCACAA[C>G]ACCAGCGTCGTCAAGAAGATCCACATTGAGGTAGTGGACAAAGGTGAGTCGGGTGCTGCC-3'
Protein context (NP_001028.1, residues 125-145): RLLFFENYEH[Asn135Lys]TSVVKKIHIE

ClinVar aggregate classification (germline): Uncertain significance. Review status: criteria provided, multiple submitters, no conflicts (2 of 4 stars). 3 submissions from 3 submitters: Uncertain significance (3). Last evaluated 2023-10-01.

Conditions:
Brugada syndrome 5 (BRGDA5). Identifiers: Orphanet 130, Orphanet 871, MedGen C2748541, MONDO:0013015, OMIM 612838.

Allele frequency attached by ClinVar (database versions not stated): gnomAD exomes below 0.00001 and 0.00001; gnomAD 0.00001; TOPMed 0.00001; ExAC 0.00002; ESP Exome Variant Server 0.00008.
gnomAD v4.1: 8 of 1,614,072 alleles (0.0005%); highest among the groups gnomAD compares: Non-Finnish European, 0.00068%; no homozygotes.

Submissions (3):

CeGaT Center for Human Genetics Tuebingen
Classification: Uncertain significance. Last evaluated: 2023-10-01. Review status: criteria provided, single submitter. Criteria: CeGaT Center For Human Genetics Tuebingen Variant Classification Criteria Version 2. Collection method: clinical testing. Allele origin: germline. Affected: yes. Observed: 1 variant allele.
Comment: SCN1B: PM2

Labcorp Genetics (formerly Invitae), Labcorp
Classification: Uncertain significance for Brugada syndrome 5. Last evaluated: 2022-05-04. Review status: criteria provided, single submitter. Criteria: Invitae Variant Classification Sherloc (09022015). Collection method: clinical testing. Allele origin: germline.
Comment: In summary, the available evidence is currently insufficient to determine the role of this variant in disease. Therefore, it has been classified as a Variant of Uncertain Significance. Algorithms developed to predict the effect of missense changes on protein structure and function (SIFT, PolyPhen-2, Align-GVGD) all suggest that this variant is likely to be tolerated. ClinVar contains an entry for this variant (Variation ID: 393242). This variant has not been reported in the literature in individuals affected with SCN1B-related conditions. This variant is present in population databases (rs372630267, gnomAD 0.003%). This sequence change replaces asparagine, which is neutral and polar, with lysine, which is basic and polar, at codon 135 of the SCN1B protein (p.Asn135Lys).

GeneDx
Classification: Uncertain significance. Last evaluated: 2017-02-01. Review status: criteria provided, single submitter. Criteria: GeneDx Variant Classification (06012015). Collection method: clinical testing. Allele origin: germline. Affected: yes.
Comment: A variant of uncertain significance has been identified in the SCN1B gene. The N135K variant has not been published as pathogenic or been reported as benign to our knowledge. This variant is not observed at a significant frequency in large population cohorts (Lek et al., 2016; 1000 Genomes Consortium et al., 2015; Exome Variant Server). The N135K variant is a semi-conservative amino acid substitution, which may impact secondary protein structure as these residues differ in some properties. However, this substitution occurs at a position where amino acids with similar properties to asparagine are tolerated across species and in silico analysis is inconsistent in its predictions as to whether or not the variant is damaging to the protein structure/function.